The following is an entry in ClinVar:

NM_206937.2(LIG4):c.1701T>C (p.Ser567=)

Gene: LIG4 (DNA ligase 4; minus strand). Cytogenetic location: 13q33.3.
Variant type: single nucleotide variant.
Coding change: c.1701T>C on transcript NM_206937.2 (MANE Select); coding-DNA position 1701, T replaced by C.
Protein change: p.Ser567=; no amino-acid change (serine 567 retained).
Molecular consequence: synonymous variant.
Genome position (GRCh38, 1-based): chr13:108,209,568, A>G on the plus strand (T>C on the coding strand, the complement: LIG4 is on the minus strand). VCF-style: chr13-108209568-A-G. GRCh37 (hg19) VCF-style: chr13-108861916-A-G.
Other names: c.1701T>C, p.Ser567= (NM_001098268.2, NM_001352598.2, NM_001352599.2 and 6 more transcripts); c.1500T>C, p.Ser500= (NM_001330595.2); c.1737T>C, p.Ser579= (NM_001352604.2).
Identifiers: ClinVar variation 2643930 (VCV002643930.26), dbSNP rs2501595233, ClinGen allele CA484975300.

ClinVar aggregate classification (germline): Likely benign. Review status: criteria provided, multiple submitters, no conflicts (2 of 4 stars). 2 submissions from 2 submitters: Likely benign (2). Last evaluated 2024-08-29.

Conditions:
DNA ligase IV deficiency. Identifiers: Orphanet 99812, MedGen C1847827, MONDO:0011686, OMIM 606593.

Submissions (2):

Labcorp Genetics (formerly Invitae), Labcorp
Classification: Likely benign for DNA ligase IV deficiency. Last evaluated: 2024-08-29. Review status: criteria provided, single submitter. Criteria: Invitae Variant Classification Sherloc (09022015). Collection method: clinical testing. Allele origin: germline.

CeGaT Center for Human Genetics Tuebingen
Classification: Likely benign. Last evaluated: 2022-11-01. Review status: criteria provided, single submitter. Criteria: CeGaT Center For Human Genetics Tuebingen Variant Classification Criteria Version 2. Collection method: clinical testing. Allele origin: germline. Affected: yes. Observed: 1 variant allele.
Comment: LIG4: PM2:Supporting, BP4, BP7